The following is an entry in ClinVar:

ClinVar aggregate classification (germline): Uncertain significance (1 of 4 stars; one submission).

Submission:

GeneDx
Classification: Uncertain significance. Last evaluated: 2024-11-13. Review status: criteria provided, single submitter. Criteria: GeneDx Variant Classification Process June 2021. Collection method: clinical testing. Allele origin: germline. Affected: yes.
Comment: Not observed at significant frequency in large population cohorts (gnomAD); In silico analysis supports that this missense variant has a deleterious effect on protein structure/function; Has not been previously published as pathogenic or benign to our knowledge

NM_031407.7(HUWE1):c.86G>T (p.Cys29Phe)

Gene: HUWE1 (HECT, UBA and WWE domain containing E3 ubiquitin protein ligase 1; minus strand). Cytogenetic location: Xp11.22.
Variant type: single nucleotide variant.
Coding change: c.86G>T on transcript NM_031407.7 (MANE Select); coding-DNA position 86, G replaced by T.
Protein change: p.Cys29Phe; replaces cysteine 29 with phenylalanine.
Molecular consequence: missense variant.
Genome position (GRCh38, 1-based): chrX:53,648,270, C>A on the plus strand (G>T on the coding strand, the complement: HUWE1 is on the minus strand). VCF-style: chrX-53648270-C-A. GRCh37 (hg19) VCF-style: chrX-53675213-C-A.
Other names: short protein forms C29F.
Identifiers: ClinVar variation 3899678 (VCV003899678.1).
Genomic context (GRCh38, chrX:53,648,270, plus strand): 5'-ACCTTTCCAATGTTCCATGTTTTGATCTGCTGCAGTTCCAAGAGAAGTTGCTCATCATTA[C>A]AAACTTTGAGTTTGTCTATTAAGGCTCTGCAGTCTGCAGGCTGAGAAAAGAAAAGTATTC-3'
Protein context (NP_113584.3, residues 19-39): CRALIDKLKV[Cys29Phe]NDEQLLLELQ